The following is an entry in ClinVar:

NM_001256715.2(DNAAF3):c.394G>A (p.Ala132Thr)

Genes: DNAAF3 (dynein axonemal assembly factor 3; minus strand), DNAAF3-AS1 (DNAAF3 antisense RNA 1; plus strand). Cytogenetic location: 19q13.42.
Variant type: single nucleotide variant.
Coding change: c.394G>A on transcript NM_001256715.2 (MANE Select); coding-DNA position 394, G replaced by A.
Protein change: p.Ala132Thr; replaces alanine 132 with threonine.
Molecular consequence: missense variant.
Genome position (GRCh38, 1-based): chr19:55,162,219, C>T on the plus strand (G>A on the coding strand, the complement: DNAAF3 is on the minus strand). VCF-style: chr19-55162219-C-T. GRCh37 (hg19) VCF-style: chr19-55673587-C-T.
Other names: c.598G>A, p.Ala200Thr (NM_001256714.1); c.232G>A, p.Ala78Thr (NM_001256716.2); c.535G>A, p.Ala179Thr (NM_178837.4); short protein forms A200T, A78T, A132T, A179T.
Identifiers: ClinVar variation 4241780 (VCV004241780.1).

ClinVar aggregate classification (germline): Uncertain significance (1 of 4 stars; one submission).

Conditions:
Primary ciliary dyskinesia. Also called: Ciliary dyskinesia. Identifiers: Orphanet 244, MedGen C0008780, MONDO:0016575, HP:0012265.

Submission:

Ambry Genetics
Classification: Uncertain significance for Primary ciliary dyskinesia. Last evaluated: 2025-08-28. Review status: criteria provided, single submitter. Criteria: Ambry Variant Classification Scheme 2023. Collection method: clinical testing. Allele origin: germline.
Comment: The p.A200T variant (also known as c.598G>A), located in coding exon 5 of the DNAAF3 gene, results from a G to A substitution at nucleotide position 598. The alanine at codon 200 is replaced by threonine, an amino acid with similar properties. This amino acid position is conserved. In addition, this alteration is predicted to be tolerated by in silico analysis. Based on the available evidence, the clinical significance of this variant remains unclear.